The following is an entry in ClinVar:

ClinVar aggregate classification (germline): Uncertain significance (1 of 4 stars; one submission).

Conditions:
Renal cell carcinoma. Identifiers: Orphanet 217071, MedGen C0007134, MeSH D002292, MONDO:0005086, HP:0005584.

Submission:

Labcorp Genetics (formerly Invitae), Labcorp
Classification: Uncertain significance for Renal cell carcinoma. Last evaluated: 2024-01-10. Review status: criteria provided, single submitter. Criteria: Invitae Variant Classification Sherloc (09022015). Collection method: clinical testing. Allele origin: germline.
Comment: This sequence change replaces phenylalanine, which is neutral and non-polar, with leucine, which is neutral and non-polar, at codon 1234 of the MET protein (p.Phe1234Leu). This variant is not present in population databases (gnomAD no frequency). This variant has not been reported in the literature in individuals affected with MET-related conditions. ClinVar contains an entry for this variant (Variation ID: 652937). Advanced modeling of protein sequence and biophysical properties (such as structural, functional, and spatial information, amino acid conservation, physicochemical variation, residue mobility, and thermodynamic stability) performed at Invitae indicates that this missense variant is not expected to disrupt MET protein function with a negative predictive value of 80%. In summary, the available evidence is currently insufficient to determine the role of this variant in disease. Therefore, it has been classified as a Variant of Uncertain Significance.

NM_000245.4(MET):c.3648C>A (p.Phe1216Leu)

Gene: MET (MET proto-oncogene, receptor tyrosine kinase; plus strand). Cytogenetic location: 7q31.2.
Variant type: single nucleotide variant.
Coding change: c.3648C>A on transcript NM_000245.4 (MANE Select); coding-DNA position 3648, C replaced by A.
Protein change: p.Phe1216Leu; replaces phenylalanine 1216 with leucine.
Molecular consequence: missense variant.
Genome position (GRCh38, 1-based): chr7:116,783,319, C>A. VCF-style: chr7-116783319-C-A. GRCh37 (hg19) VCF-style: chr7-116423373-C-A.
Other names: c.3702C>A (LRG_662t1); c.3702C>A, p.Phe1234Leu (NM_001127500.3); c.2358C>A, p.Phe786Leu (NM_001324402.2); short protein forms F1216L, F786L, F1234L.
Identifiers: ClinVar variation 652937 (VCV000652937.10), dbSNP rs1584965464, ClinGen allele CA368991429.